The following is an entry in ClinVar:

ClinVar aggregate classification (germline): Uncertain significance. Review status: criteria provided, multiple submitters, no conflicts (2 of 4 stars). 2 submissions from 2 submitters: Uncertain significance (2). Last evaluated 2025-06-17.

Allele frequency attached by ClinVar (database versions not stated): gnomAD exomes 0.00002 and 0.00006; ExAC 0.00007; gnomAD 0.00009; TOPMed 0.00009; 1000 Genomes Project 0.00040; 1000 Genomes Project 30x 0.00047.

Submissions (2):

Labcorp Genetics (formerly Invitae), Labcorp
Classification: Uncertain significance. Last evaluated: 2025-06-17. Review status: criteria provided, single submitter. Criteria: Invitae Variant Classification Sherloc (09022015). Collection method: clinical testing. Allele origin: germline.
Comment: This sequence change replaces alanine, which is neutral and non-polar, with threonine, which is neutral and polar, at codon 94 of the OPN1SW protein (p.Ala94Thr). This variant is present in population databases (rs559471387, gnomAD 0.03%). This variant has not been reported in the literature in individuals affected with OPN1SW-related conditions. ClinVar contains an entry for this variant (Variation ID: 1445310). An algorithm developed to predict the effect of missense changes on protein structure and function outputs the following: PolyPhen-2: "Benign". The threonine amino acid residue is found in multiple mammalian species, which suggests that this missense change does not adversely affect protein function. In summary, the available evidence is currently insufficient to determine the role of this variant in disease. Therefore, it has been classified as a Variant of Uncertain Significance.

Ambry Genetics
Classification: Uncertain significance. Last evaluated: 2024-10-29. Review status: criteria provided, single submitter. Criteria: Ambry Variant Classification Scheme 2023. Collection method: clinical testing. Allele origin: germline.

NM_001385125.1(OPN1SW):c.271G>A (p.Ala91Thr)

Gene: OPN1SW (opsin 1, short wave sensitive; minus strand). Cytogenetic location: 7q32.1.
Variant type: single nucleotide variant.
Coding change: c.271G>A on transcript NM_001385125.1 (MANE Select); coding-DNA position 271, G replaced by A.
Protein change: p.Ala91Thr; replaces alanine 91 with threonine.
Molecular consequence: missense variant.
Genome position (GRCh38, 1-based): chr7:128,775,511, C>T on the plus strand (G>A on the coding strand, the complement: OPN1SW is on the minus strand). VCF-style: chr7-128775511-C-T. GRCh37 (hg19) VCF-style: chr7-128415565-C-T.
Other names: NM_001708.2:c.280G>A; short protein forms A91T.
Identifiers: ClinVar variation 1445310 (VCV001445310.10), dbSNP rs559471387, ClinGen allele CA4473006.